The following is an entry in ClinVar:

ClinVar aggregate classification (germline): Benign/Likely benign. Review status: criteria provided, multiple submitters, no conflicts (2 of 4 stars). 10 submissions from 7 submitters: Benign (7); Likely benign (2). 1 of the submissions does not count toward it. Last evaluated 2026-01-07.

Conditions:
Congenital myopathy 18. Also called: Myopathy, congenital, due to dihydropyridine receptor defect; DIHYDROPYRIDINE RECEPTOR CONGENITAL MYOPATHY; DHPR CONGENITAL MYOPATHY. Identifiers: MedGen C5830283, MONDO:0859514, OMIM 620246.
Thyrotoxic periodic paralysis, susceptibility to, 1 (TTPP1). Identifiers: Orphanet 79102, MedGen C2749982, MONDO:0008570, OMIM 188580.
Hypokalemic periodic paralysis, type 1. Also called: HypoPP; Hypokalemic Periodic Paralysis Type 1 (AD). Identifiers: Orphanet 681, MedGen C3714580, MONDO:0042979, OMIM 170400.
Malignant hyperthermia, susceptibility to, 5 (MHS5). Also called: CACNA1S-Related Malignant Hyperthermia Susceptibility. Identifiers: Orphanet 423, MedGen C1866077, MONDO:0011163, OMIM 601887.
CACNA1S-related disorder. Also called: CACNA1S-related condition.

Allele frequency attached by ClinVar (database versions not stated): gnomAD exomes 0.00025; ExAC 0.00027; 1000 Genomes Project 30x 0.00031; 1000 Genomes Project 0.00040; gnomAD 0.00088 and 0.00096; TOPMed 0.00110; ESP Exome Variant Server 0.00123.
gnomAD v4.1: 305 of 1,613,178 alleles (0.019%); highest among the groups gnomAD compares: African/African-American, 0.32%; 2 homozygotes.

Submissions (10):

Labcorp Genetics (formerly Invitae), Labcorp
Classification: Benign for Hypokalemic periodic paralysis, type 1; Malignant hyperthermia, susceptibility to, 5. Last evaluated: 2026-01-07. Review status: criteria provided, single submitter. Criteria: Invitae Variant Classification Sherloc (09022015). Collection method: clinical testing. Allele origin: germline.

Blueprint Genetics
Classification: Likely benign. Last evaluated: 2024-11-19. Review status: criteria provided, single submitter. Criteria: ACMG Guidelines, 2015. Collection method: clinical testing. Allele origin: germline.

Genome-Nilou Lab
Classification: Benign for Malignant hyperthermia, susceptibility to, 5. Last evaluated: 2023-04-11. Review status: criteria provided, single submitter. Criteria: ACMG Guidelines, 2015. Collection method: clinical testing. Allele origin: germline. Affected: no.

Genome-Nilou Lab
Classification: Benign for Thyrotoxic periodic paralysis, susceptibility to, 1. Last evaluated: 2023-04-11. Review status: criteria provided, single submitter. Criteria: ACMG Guidelines, 2015. Collection method: clinical testing. Allele origin: germline. Affected: no.

Genome-Nilou Lab
Classification: Benign for Congenital myopathy 18. Last evaluated: 2023-04-11. Review status: criteria provided, single submitter. Criteria: ACMG Guidelines, 2015. Collection method: clinical testing. Allele origin: germline. Affected: no.

Genome-Nilou Lab
Classification: Benign for Hypokalemic periodic paralysis, type 1. Last evaluated: 2023-04-11. Review status: criteria provided, single submitter. Criteria: ACMG Guidelines, 2015. Collection method: clinical testing. Allele origin: germline. Affected: no.

Fulgent Genetics
Classification: Benign for Hypokalemic periodic paralysis, type 1; Thyrotoxic periodic paralysis, susceptibility to, 1; Malignant hyperthermia, susceptibility to, 5. Last evaluated: 2021-07-27. Review status: criteria provided, single submitter. Criteria: ACMG Guidelines, 2015. Collection method: clinical testing. Allele origin: unknown.

Illumina Laboratory Services, Illumina
Classification: Benign for Hypokalemic periodic paralysis, type 1. Last evaluated: 2018-01-13. Review status: criteria provided, single submitter. Criteria: ICSL Variant Classification Criteria 13 December 2019. Collection method: clinical testing. Allele origin: germline.
Comment: This variant was observed in the ICSL laboratory as part of a predisposition screen in an ostensibly healthy population. It had not been previously curated by ICSL or reported in the Human Gene Mutation Database (HGMD: prior to June 1st, 2018), and was therefore a candidate for classification through an automated scoring system. Utilizing variant allele frequency, disease prevalence and penetrance estimates, and inheritance mode, an automated score was calculated to assess if this variant is too frequent to cause the disease. Based on the score and internal cut-off values, a variant classified as benign is not then subjected to further curation. The score for this variant resulted in a classification of benign for this disease.

GeneDx
Classification: Likely benign. Last evaluated: 2017-06-15. Review status: criteria provided, single submitter. Criteria: GeneDx Variant Classification (06012015). Collection method: clinical testing. Allele origin: germline. Affected: yes.
Comment: This variant is considered likely benign or benign based on one or more of the following criteria: it is a conservative change, it occurs at a poorly conserved position in the protein, it is predicted to be benign by multiple in silico algorithms, and/or has population frequency not consistent with disease.

PreventionGenetics, part of Exact Sciences
Classification: Likely benign for CACNA1S-related condition. Last evaluated: 2021-08-04. Review status: no assertion criteria provided. Collection method: clinical testing. Allele origin: germline. Not counted in ClinVar's aggregate classification.
Comment: This variant is classified as likely benign based on ACMG/AMP sequence variant interpretation guidelines (Richards et al. 2015 PMID: 25741868, with internal and published modifications).

NM_000069.3(CACNA1S):c.5370+10G>A

Gene: CACNA1S (calcium voltage-gated channel subunit alpha1 S; minus strand). Cytogenetic location: 1q32.1.
Variant type: single nucleotide variant.
Coding change: c.5370+10G>A on transcript NM_000069.3 (MANE Select); 10 bases into the intron after coding-DNA position 5370, G replaced by A.
Molecular consequence: intron variant.
Genome position (GRCh38, 1-based): chr1:201,040,221, C>T on the plus strand (G>A on the coding strand, the complement: CACNA1S is on the minus strand). VCF-style: chr1-201040221-C-T. GRCh37 (hg19) VCF-style: chr1-201009349-C-T.
Identifiers: ClinVar variation 474003 (VCV000474003.20), dbSNP rs368138384, ClinGen allele CA083818.